The following is an entry in ClinVar:

NM_015178.3(RHOBTB2):c.702A>G (p.Leu234=)

Gene: RHOBTB2 (Rho related BTB domain containing 2; plus strand). Cytogenetic location: 8p21.3.
Variant type: single nucleotide variant.
Coding change: c.702A>G on transcript NM_015178.3 (MANE Select); coding-DNA position 702, A replaced by G.
Protein change: p.Leu234=; no amino-acid change (leucine 234 retained).
Molecular consequence: synonymous variant.
Genome position (GRCh38, 1-based): chr8:23,006,947, A>G. VCF-style: chr8-23006947-A-G. GRCh37 (hg19) VCF-style: chr8-22864460-A-G.
Other names: c.768A>G, p.Leu256= (NM_001160036.2); c.723A>G, p.Leu241= (NM_001160037.2); c.702A>G, p.Leu234= (NM_001374791.1).
Identifiers: ClinVar variation 4873443 (VCV004873443.2).

ClinVar aggregate classification (germline): Likely benign (1 of 4 stars; one submission).

Submission:

CeGaT Center for Human Genetics Tuebingen
Classification: Likely benign. Last evaluated: 2026-05-01. Review status: criteria provided, single submitter. Criteria: CeGaT Center For Human Genetics Tuebingen Variant Classification Criteria Version 2. Collection method: clinical testing. Allele origin: germline. Affected: yes. Observed: 1 variant allele.
Comment: RHOBTB2: BP4, BP7